The following is an entry in ClinVar:

NM_000890.5(KCNJ5):c.1206AGA[1] (p.Glu403del)

Gene: KCNJ5 (potassium inwardly rectifying channel subfamily J member 5; plus strand). Cytogenetic location: 11q24.3.
Variant type: Microsatellite.
Coding change: c.1206AGA[1] on transcript NM_000890.5 (MANE Select); one copy of the 3-base unit AGA starting at c.1206; the reference has two copies in a row; one copy, 3 bases deleted.
Protein change: p.Glu403del; deletes glutamic acid 403.
Molecular consequence: inframe deletion. On other transcripts: inframe indel (2).
Genome position (GRCh38, 1-based): chr11:128,916,680-128,916,682, AGA deleted; deleting any 3 consecutive bases within chr11:128,916,675-128,916,682 gives the same sequence; the position shown is the placement nearest the transcript's 3' end. VCF-style (leftmost placement, unchanged base first): chr11-128916674-TGAA-T. GRCh37 (hg19) VCF-style: chr11-128786569-TGAA-T.
Other names: c.1209_1211delAGA (NM_000890.3); c.1206_1208AGA[1], p.Glu403del (NM_000890.3); c.1206AGA[1], p.Glu403del (NM_001354169.2); short protein forms E403del.
Identifiers: ClinVar variation 2449077 (VCV002449077.4), dbSNP rs2497733987, ClinGen allele CA2580615107.
Genomic context (GRCh38, chr11:128,916,674, plus strand): 5'-CAGCCCCCCACTGCTGGGGGGCTGTGCTGAGGCAGGGCTGGATGCAGAGGCTGAGCAGAA[TGAA>T]GAAGATGAGCCCAAGGGGCTGGGTGGGTCCAGGGAGGCCAGGGGCTCGGTGTGAGGGGTG-3'

ClinVar aggregate classification (germline): Uncertain significance. Review status: criteria provided, multiple submitters, no conflicts (2 of 4 stars). 2 submissions from 2 submitters: Uncertain significance (2). Last evaluated 2024-09-06.

Conditions:
Cardiovascular phenotype. Identifiers: MedGen CN230736.
Long QT syndrome (LQTS). Identifiers: MedGen C0023976, MeSH D008133, MONDO:0002442. Disease mechanism: loss of function. Inheritance: Various modes of inheritance.

Submissions (2):

Labcorp Genetics (formerly Invitae), Labcorp
Classification: Uncertain significance for Long QT syndrome. Last evaluated: 2024-09-06. Review status: criteria provided, single submitter. Criteria: Invitae Variant Classification Sherloc (09022015). Collection method: clinical testing. Allele origin: germline.
Comment: This variant, c.1209_1211del, results in the deletion of 1 amino acid(s) of the KCNJ5 protein (p.Glu403del), but otherwise preserves the integrity of the reading frame. This variant is not present in population databases (gnomAD no frequency). This variant has not been reported in the literature in individuals affected with KCNJ5-related conditions. ClinVar contains an entry for this variant (Variation ID: 2449077). Experimental studies and prediction algorithms are not available or were not evaluated, and the functional significance of this variant is currently unknown. In summary, the available evidence is currently insufficient to determine the role of this variant in disease. Therefore, it has been classified as a Variant of Uncertain Significance.

Ambry Genetics
Classification: Uncertain significance for Cardiovascular phenotype. Last evaluated: 2023-02-07. Review status: criteria provided, single submitter. Criteria: Ambry Variant Classification Scheme 2023. Collection method: clinical testing. Allele origin: germline.
Comment: The c.1209_1211delAGA variant (also known as p.E403del) is located in coding exon 2 of the KCNJ5 gene. This variant results from an in-frame AGA deletion at nucleotide positions 1209 to 1211. This results in the in-frame deletion of a glutamic acid at codon 403. This amino acid position is well conserved in available vertebrate species. In addition, this alteration is predicted to be neutral by in silico analysis (Choi Y et al. PLoS ONE. 2012; 7(10):e46688). Based on the supporting evidence, the association of this alteration with KCNJ5-related hyperaldosteronism is unknown; however, the association with KCNJ5-related long QT syndrome is unlikely.